The following is an entry in ClinVar:

ClinVar aggregate classification (germline): Uncertain significance (1 of 4 stars; one submission).

Conditions:
Medulloblastoma (MDB). Also called: MEDULLOBLASTOMA PREDISPOSITION SYNDROME; Medulloblastoma, somatic. Identifiers: Orphanet 616, MedGen C0025149, MeSH D008527, MONDO:0007959, OMIM 155255, HP:0002885.
Gorlin syndrome. Also called: Nevoid Basal Cell Carcinoma Syndrome; Basal cell nevus syndrome. Identifiers: Orphanet 377, MedGen C0004779, MONDO:0007187.

Submission:

Labcorp Genetics (formerly Invitae), Labcorp
Classification: Uncertain significance for Gorlin syndrome; Medulloblastoma. Last evaluated: 2021-11-19. Review status: criteria provided, single submitter. Criteria: Invitae Variant Classification Sherloc (09022015). Collection method: clinical testing. Allele origin: germline.
Comment: In summary, the available evidence is currently insufficient to determine the role of this variant in disease. Therefore, it has been classified as a Variant of Uncertain Significance. This variant disrupts the p.Asp182 amino acid residue in SUFU. Other variant(s) that disrupt this residue have been observed in individuals with SUFU-related conditions (PMID: 25403219; Invitae), which suggests that this may be a clinically significant amino acid residue. This sequence change replaces aspartic acid, which is acidic and polar, with asparagine, which is neutral and polar, at codon 182 of the SUFU protein (p.Asp182Asn). This variant is not present in population databases (gnomAD no frequency). This variant has not been reported in the literature in individuals affected with SUFU-related conditions. Algorithms developed to predict the effect of missense changes on protein structure and function are either unavailable or do not agree on the potential impact of this missense change (SIFT: "Deleterious"; PolyPhen-2: "Probably Damaging"; Align-GVGD: "Class C15").

Literature cited by the submitters: PubMed 25403219.

NM_016169.4(SUFU):c.544G>A (p.Asp182Asn)

Gene: SUFU (SUFU negative regulator of hedgehog signaling; plus strand). Cytogenetic location: 10q24.32.
Variant type: single nucleotide variant.
Coding change: c.544G>A on transcript NM_016169.4 (MANE Select); coding-DNA position 544, G replaced by A.
Protein change: p.Asp182Asn; replaces aspartic acid 182 with asparagine.
Molecular consequence: missense variant.
Genome position (GRCh38, 1-based): chr10:102,592,671, G>A. VCF-style: chr10-102592671-G-A. GRCh37 (hg19) VCF-style: chr10-104352428-G-A.
Other names: c.544G>A, p.Asp182Asn (NM_001178133.2); short protein forms D182N.
Identifiers: ClinVar variation 1394000 (VCV001394000.6), dbSNP rs2135867046, ClinGen allele CA377908475.